The following is an entry in ClinVar:

NM_003235.5(TG):c.2149C>T (p.Arg717Ter)

Gene: TG (thyroglobulin; plus strand). Cytogenetic location: 8q24.22.
Variant type: single nucleotide variant.
Coding change: c.2149C>T on transcript NM_003235.5 (MANE Select); coding-DNA position 2149, C replaced by T.
Protein change: p.Arg717Ter; replaces arginine 717 with a stop codon.
Molecular consequence: nonsense.
Genome position (GRCh38, 1-based): chr8:132,887,521, C>T. VCF-style: chr8-132887521-C-T. GRCh37 (hg19) VCF-style: chr8-133899766-C-T.
Other names: short protein forms R717*.
Identifiers: ClinVar variation 2990157 (VCV002990157.3), dbSNP rs573918155, ClinGen allele CA186284146.

ClinVar aggregate classification (germline): Pathogenic (1 of 4 stars; one submission).

Submission:

Labcorp Genetics (formerly Invitae), Labcorp
Classification: Pathogenic. Last evaluated: 2023-12-04. Review status: criteria provided, single submitter. Criteria: Invitae Variant Classification Sherloc (09022015). Collection method: clinical testing. Allele origin: germline.
Comment: This sequence change creates a premature translational stop signal (p.Arg717*) in the TG gene. It is expected to result in an absent or disrupted protein product. Loss-of-function variants in TG are known to be pathogenic (PMID: 19837936, 23164529). This variant is not present in population databases (gnomAD no frequency). This variant has not been reported in the literature in individuals affected with TG-related conditions. For these reasons, this variant has been classified as Pathogenic.

Literature cited by the submitters: PubMed 19837936; PubMed 23164529.